The following is an entry in ClinVar:

ClinVar aggregate classification (germline): Uncertain significance (1 of 4 stars; one submission).

Conditions:
Neuronopathy, distal hereditary motor, type 7A. Also called: Neuronopathy, distal hereditary motor, autosomal dominant 7; SPINAL MUSCULAR ATROPHY, DISTAL, WITH VOCAL CORD PARALYSIS; Neuronopathy, distal hereditary motor, type viia; NEURONOPATHY, DISTAL HEREDITARY MOTOR, HARDING TYPE VIIA; NEUROPATHY, DISTAL HEREDITARY MOTOR, HARDING TYPE VIIA; HARPER-YOUNG MYOPATHY. Identifiers: Orphanet 139589, MedGen C1834703, MONDO:0008024, OMIM 158580.
Congenital myasthenic syndrome 20. Also called: Myasthenic syndrome, congenital, 20, presynaptic. Identifiers: MedGen C4310694, MONDO:0014939, OMIM 617143.

Submission:

Labcorp Genetics (formerly Invitae), Labcorp
Classification: Uncertain significance for Neuronopathy, distal hereditary motor, type 7A; Congenital myasthenic syndrome 20. Last evaluated: 2022-10-25. Review status: criteria provided, single submitter. Criteria: Invitae Variant Classification Sherloc (09022015). Collection method: clinical testing. Allele origin: germline.
Comment: In summary, the available evidence is currently insufficient to determine the role of this variant in disease. Therefore, it has been classified as a Variant of Uncertain Significance. Advanced modeling of protein sequence and biophysical properties (such as structural, functional, and spatial information, amino acid conservation, physicochemical variation, residue mobility, and thermodynamic stability) performed at Invitae indicates that this missense variant is not expected to disrupt SLC5A7 protein function. This variant has not been reported in the literature in individuals affected with SLC5A7-related conditions. This variant is not present in population databases (gnomAD no frequency). This sequence change replaces leucine, which is neutral and non-polar, with isoleucine, which is neutral and non-polar, at codon 366 of the SLC5A7 protein (p.Leu366Ile).

NM_021815.5(SLC5A7):c.1096C>A (p.Leu366Ile)

Gene: SLC5A7 (solute carrier family 5 member 7; plus strand). Cytogenetic location: 2q12.3.
Variant type: single nucleotide variant.
Coding change: c.1096C>A on transcript NM_021815.5 (MANE Select); coding-DNA position 1096, C replaced by A.
Protein change: p.Leu366Ile; replaces leucine 366 with isoleucine.
Molecular consequence: missense variant.
Genome position (GRCh38, 1-based): chr2:108,008,665, C>A. VCF-style: chr2-108008665-C-A. GRCh37 (hg19) VCF-style: chr2-108625121-C-A.
Other names: c.1096C>A, p.Leu366Ile (NM_001305005.3); c.781C>A, p.Leu261Ile (NM_001305006.3); c.355C>A, p.Leu119Ile (NM_001305007.3); short protein forms L366I, L261I, L119I.
Identifiers: ClinVar variation 1490309 (VCV001490309.6), dbSNP rs2104379560, ClinGen allele CA348113819.
Genomic context (GRCh38, chr2:108,008,665, plus strand): 5'-TCATCAGCAGATTCTTCCATCTTGTCAGCAAGTTCCATGTTTGCACGGAACATCTACCAG[C>A]TTTCCTTCAGACAAAATGTAAGAACAGTTTCTTTCAACCTGACATTTACTAGCATTGCTC-3'
Protein context (NP_068587.1, residues 356-376): SSMFARNIYQ[Leu366Ile]SFRQNASDKE